The following is an entry in ClinVar:

ClinVar aggregate classification (germline): Uncertain significance. Review status: criteria provided, multiple submitters, no conflicts (2 of 4 stars). 3 submissions from 3 submitters: Uncertain significance (3). Last evaluated 2024-02-10.

Conditions:
Familial cancer of breast. Also called: BREAST CANCER, FAMILIAL; Hereditary breast cancer; hereditary breast carcinoma. Identifiers: Orphanet 227535, MedGen C0346153, MONDO:0016419, OMIM 114480. Disease mechanism: loss of function.
Hereditary cancer-predisposing syndrome. Also called: Neoplastic Syndromes, Hereditary; Tumor predisposition; Hereditary neoplastic syndrome; Hereditary Cancer Syndrome. Identifiers: Orphanet 140162, MedGen C0027672, MeSH D009386, MONDO:0015356.

Allele frequency attached by ClinVar (database versions not stated): gnomAD exomes below 0.00001.
gnomAD v4.1: 2 of 1,614,116 alleles (0.00012%); highest among the groups gnomAD compares: Non-Finnish European, 0.00017%; no homozygotes.

Submissions (3):

Ambry Genetics
Classification: Uncertain significance for Hereditary cancer-predisposing syndrome. Last evaluated: 2024-02-10. Review status: criteria provided, single submitter. Criteria: Ambry Variant Classification Scheme 2023. Collection method: clinical testing. Allele origin: germline.
Comment: The p.Y404C variant (also known as c.1211A>G), located in coding exon 4 of the BARD1 gene, results from an A to G substitution at nucleotide position 1211. The tyrosine at codon 404 is replaced by cysteine, an amino acid with highly dissimilar properties. This amino acid position is conserved. In addition, this alteration is predicted to be tolerated by in silico analysis. Based on the available evidence, the clinical significance of this alteration remains unclear.

Labcorp Genetics (formerly Invitae), Labcorp
Classification: Uncertain significance for Familial cancer of breast. Last evaluated: 2022-06-28. Review status: criteria provided, single submitter. Criteria: Invitae Variant Classification Sherloc (09022015). Collection method: clinical testing. Allele origin: germline.
Comment: This sequence change replaces tyrosine, which is neutral and polar, with cysteine, which is neutral and slightly polar, at codon 404 of the BARD1 protein (p.Tyr404Cys). This variant is not present in population databases (gnomAD no frequency). This variant has not been reported in the literature in individuals affected with BARD1-related conditions. ClinVar contains an entry for this variant (Variation ID: 629434). Algorithms developed to predict the effect of missense changes on protein structure and function output the following: SIFT: "Tolerated"; PolyPhen-2: "Possibly Damaging"; Align-GVGD: "Class C0". The cysteine amino acid residue is found in multiple mammalian species, which suggests that this missense change does not adversely affect protein function. In summary, the available evidence is currently insufficient to determine the role of this variant in disease. Therefore, it has been classified as a Variant of Uncertain Significance.

Color Diagnostics, LLC DBA Color Health
Classification: Uncertain significance for Hereditary cancer-predisposing syndrome. Last evaluated: 2019-04-03. Review status: criteria provided, single submitter. Criteria: ACMG Guidelines, 2015. Collection method: clinical testing. Allele origin: germline.

NM_000465.4(BARD1):c.1211A>G (p.Tyr404Cys)

Gene: BARD1 (BRCA1 associated RING domain 1; minus strand). Cytogenetic location: 2q35.
Variant type: single nucleotide variant.
Coding change: c.1211A>G on transcript NM_000465.4 (MANE Select); coding-DNA position 1211, A replaced by G.
Protein change: p.Tyr404Cys; replaces tyrosine 404 with cysteine.
Molecular consequence: missense variant. On other transcripts: non-coding transcript variant (2), intron variant (3).
Genome position (GRCh38, 1-based): chr2:214,780,663, T>C on the plus strand (A>G on the coding strand, the complement: BARD1 is on the minus strand). VCF-style: chr2-214780663-T-C. GRCh37 (hg19) VCF-style: chr2-215645387-T-C.
Other names: c.1154A>G, p.Tyr385Cys (NM_001282543.2); c.159-28108A>G (NM_001282548.2); c.215+16398A>G (NM_001282545.2); c.364+11634A>G (NM_001282549.2); c.1211A>G (NM_000465.2); short protein forms Y404C, Y385C.
Identifiers: ClinVar variation 629434 (VCV000629434.14), dbSNP rs1559423578, ClinGen allele CA350453710.